The following is an entry in ClinVar:

ClinVar aggregate classification (germline): Uncertain significance (1 of 4 stars; one submission).

Submission:

Labcorp Genetics (formerly Invitae), Labcorp
Classification: Uncertain significance. Last evaluated: 2025-08-06. Review status: criteria provided, single submitter. Criteria: Invitae Variant Classification Sherloc (09022015). Collection method: clinical testing. Allele origin: germline.
Comment: This sequence change replaces histidine, which is basic and polar, with glutamine, which is neutral and polar, at codon 882 of the PITPNM3 protein (p.His882Gln). This variant is not present in population databases (gnomAD no frequency). This variant has not been reported in the literature in individuals affected with PITPNM3-related conditions. Invitae Evidence Modeling of protein sequence and biophysical properties (such as structural, functional, and spatial information, amino acid conservation, physicochemical variation, residue mobility, and thermodynamic stability) has been performed for this missense variant. However, the output from this modeling did not meet the statistical confidence thresholds required to predict the impact of this variant on PITPNM3 protein function. In summary, the available evidence is currently insufficient to determine the role of this variant in disease. Therefore, it has been classified as a Variant of Uncertain Significance.

NM_031220.4(PITPNM3):c.2646C>A (p.His882Gln)

Gene: PITPNM3 (PITPNM family member 3; minus strand). Cytogenetic location: 17p13.2.
Variant type: single nucleotide variant.
Coding change: c.2646C>A on transcript NM_031220.4 (MANE Select); coding-DNA position 2646, C replaced by A.
Protein change: p.His882Gln; replaces histidine 882 with glutamine.
Molecular consequence: missense variant.
Genome position (GRCh38, 1-based): chr17:6,455,617, G>T on the plus strand (C>A on the coding strand, the complement: PITPNM3 is on the minus strand). VCF-style: chr17-6455617-G-T. GRCh37 (hg19) VCF-style: chr17-6358937-G-T.
Other names: c.2538C>A, p.His846Gln (NM_001165966.2); short protein forms H846Q, H882Q.
Identifiers: ClinVar variation 4745215 (VCV004745215.1).
Genomic context (GRCh38, chr17:6,455,617, plus strand): 5'-GATCATGCGCGAGTTGTTCTTCTTTGGGCGTGAGCGGTGGCTGGCCTCCAGCGCGGCCAG[G>T]TGTGCGGCGTAGCCCTCGCTCAGGAACTGCGGAGGGCAGGGGAGGGCAGGGGAGGGCAGG-3'
Protein context (NP_112497.2, residues 872-892): CQFLSEGYAA[His882Gln]LAALEASHRS